The following is an entry in ClinVar:

ClinVar aggregate classification (germline): Uncertain significance. Review status: criteria provided, multiple submitters, no conflicts (2 of 4 stars). 3 submissions from 3 submitters: Uncertain significance (3). Last evaluated 2026-08-19.

Conditions:
PDGFRA-related disorder. Also called: PDGFRA-related condition.
Hereditary cancer-predisposing syndrome. Also called: Neoplastic Syndromes, Hereditary; Tumor predisposition; Hereditary Cancer Syndrome; Hereditary neoplastic syndrome. Identifiers: Orphanet 140162, MedGen C0027672, MeSH D009386, MONDO:0015356.
Gastrointestinal stromal tumor. Also called: Gastrointestinal stroma tumor; Gastrointestinal stromal tumor, somatic. Identifiers: Orphanet 44890, MedGen C0238198, MeSH D046152, MONDO:0011719, OMIM 606764, HP:0100723.

Allele frequency attached by ClinVar (database versions not stated): gnomAD exomes below 0.00001.
gnomAD v4.1: 2 of 1,614,212 alleles (0.00012%); highest among the groups gnomAD compares: Non-Finnish European, 0.00017%; no homozygotes.

Submissions (3):

PreventionGenetics, part of Exact Sciences
Classification: Uncertain significance for PDGFRA-related condition. Last evaluated: 2026-08-19. Review status: criteria provided, single submitter. Criteria: ACMG Guidelines, 2015. Collection method: clinical testing. Allele origin: germline.
Comment: The PDGFRA c.3114C>G variant is predicted to result in the amino acid substitution p.Asn1038Lys. To our knowledge, this variant has not been reported in the literature or in a large population database (gnomAD), indicating this variant is rare. At this time, the clinical significance of this variant is uncertain due to the absence of conclusive functional and genetic evidence.

Labcorp Genetics (formerly Invitae), Labcorp
Classification: Uncertain significance for Gastrointestinal stromal tumor. Last evaluated: 2026-01-29. Review status: criteria provided, single submitter. Criteria: Invitae Variant Classification Sherloc (09022015). Collection method: clinical testing. Allele origin: germline.
Comment: This sequence change replaces asparagine, which is neutral and polar, with lysine, which is basic and polar, at codon 1038 of the PDGFRA protein (p.Asn1038Lys). This variant is not present in population databases (gnomAD no frequency). This variant has not been reported in the literature in individuals affected with PDGFRA-related conditions. ClinVar contains an entry for this variant (Variation ID: 407438). Invitae Evidence Modeling of protein sequence and biophysical properties (such as structural, functional, and spatial information, amino acid conservation, physicochemical variation, residue mobility, and thermodynamic stability) indicates that this missense variant is not expected to disrupt PDGFRA protein function with a negative predictive value of 80%. In summary, the available evidence is currently insufficient to determine the role of this variant in disease. Therefore, it has been classified as a Variant of Uncertain Significance.

Ambry Genetics
Classification: Uncertain significance for Hereditary cancer-predisposing syndrome. Last evaluated: 2025-04-04. Review status: criteria provided, single submitter. Criteria: Ambry Variant Classification Scheme 2023. Collection method: clinical testing. Allele origin: germline.
Comment: The p.N1038K variant (also known as c.3114C>G), located in coding exon 21 of the PDGFRA gene, results from a C to G substitution at nucleotide position 3114. The asparagine at codon 1038 is replaced by lysine, an amino acid with similar properties. This amino acid position is highly conserved in available vertebrate species. In addition, this alteration is predicted to be tolerated by in silico analysis. Since supporting evidence is limited at this time, the clinical significance of this alteration remains unclear.

NM_006206.6(PDGFRA):c.3114C>G (p.Asn1038Lys)

Gene: PDGFRA (platelet derived growth factor receptor alpha; plus strand). Cytogenetic location: 4q12.
Variant type: single nucleotide variant.
Coding change: c.3114C>G on transcript NM_006206.6 (MANE Select); coding-DNA position 3114, C replaced by G.
Protein change: p.Asn1038Lys; replaces asparagine 1038 with lysine.
Molecular consequence: missense variant.
Genome position (GRCh38, 1-based): chr4:54,290,546, C>G. VCF-style: chr4-54290546-C-G. GRCh37 (hg19) VCF-style: chr4-55156713-C-G.
Other names: c.3114C>G (NM_006206.5); c.3189C>G, p.Asn1063Lys (NM_001347828.2); c.3114C>G, p.Asn1038Lys (NM_001347829.2); c.3153C>G, p.Asn1051Lys (NM_001347830.2); short protein forms N1038K, N1051K, N1063K.
Identifiers: ClinVar variation 407438 (VCV000407438.17), dbSNP rs1060501518, ClinGen allele CA16611502.